The following is an entry in ClinVar:

ClinVar aggregate classification (germline): Uncertain significance (1 of 4 stars; one submission).

Conditions:
Retinitis pigmentosa 71 (RP71). Identifiers: Orphanet 791, MedGen C4225342, MONDO:0014618, OMIM 616394.
Short-rib thoracic dysplasia 10 with or without polydactyly (SRTD10). Identifiers: Orphanet 474, MedGen C3810175, MONDO:0014284, OMIM 615630.

Allele frequency attached by ClinVar (database versions not stated): gnomAD exomes below 0.00001; TOPMed 0.00001.
gnomAD v4.1: 2 of 1,614,026 alleles (0.00012%); highest among the groups gnomAD compares: Admixed American, 0.0033%; no homozygotes.

Submission:

Labcorp Genetics (formerly Invitae), Labcorp
Classification: Uncertain significance for Retinitis pigmentosa 71; Short-rib thoracic dysplasia 10 with or without polydactyly. Last evaluated: 2019-09-09. Review status: criteria provided, single submitter. Criteria: Invitae Variant Classification Sherloc (09022015). Collection method: clinical testing. Allele origin: germline.
Comment: This sequence change replaces glutamic acid with glutamine at codon 1127 of the IFT172 protein (p.Glu1127Gln). The glutamic acid residue is moderately conserved and there is a small physicochemical difference between glutamic acid and glutamine. In summary, the available evidence is currently insufficient to determine the role of this variant in disease. Therefore, it has been classified as a Variant of Uncertain Significance. Algorithms developed to predict the effect of missense changes on protein structure and function are either unavailable or do not agree on the potential impact of this missense change (SIFT: "Deleterious"; PolyPhen-2: "Possibly Damaging"; Align-GVGD: "Class C0"). This variant has not been reported in the literature in individuals with IFT172-related conditions. This variant is not present in population databases (ExAC no frequency).

NM_015662.3(IFT172):c.3379G>C (p.Glu1127Gln)

Gene: IFT172 (intraflagellar transport 172; minus strand). Cytogenetic location: 2p23.3.
Variant type: single nucleotide variant.
Coding change: c.3379G>C on transcript NM_015662.3 (MANE Select); coding-DNA position 3379, G replaced by C.
Protein change: p.Glu1127Gln; replaces glutamic acid 1127 with glutamine.
Molecular consequence: missense variant.
Genome position (GRCh38, 1-based): chr2:27,454,653, C>G on the plus strand (G>C on the coding strand, the complement: IFT172 is on the minus strand). VCF-style: chr2-27454653-C-G. GRCh37 (hg19) VCF-style: chr2-27677520-C-G.
Other names: short protein forms E1127Q.
Identifiers: ClinVar variation 957447 (VCV000957447.9), dbSNP rs1158499870, ClinGen allele CA346379124.